The following is an entry in ClinVar:

NM_001079.4(ZAP70):c.1126G>A (p.Glu376Lys)

Gene: ZAP70 (zeta chain of T cell receptor associated protein kinase 70; plus strand). Cytogenetic location: 2q11.2.
Variant type: single nucleotide variant.
Coding change: c.1126G>A on transcript NM_001079.4 (MANE Select); coding-DNA position 1126, G replaced by A.
Protein change: p.Glu376Lys; replaces glutamic acid 376 with lysine.
Molecular consequence: missense variant.
Genome position (GRCh38, 1-based): chr2:97,735,293, G>A. VCF-style: chr2-97735293-G-A. GRCh37 (hg19) VCF-style: chr2-98351756-G-A.
Other names: c.1126G>A, p.Glu376Lys (NM_001378594.1); c.205G>A, p.Glu69Lys (NM_207519.2); short protein forms E376K, E69K.
Identifiers: ClinVar variation 2047635 (VCV002047635.2), dbSNP rs764746969, ClinGen allele CA1790383.

ClinVar aggregate classification (germline): Uncertain significance (1 of 4 stars; one submission).

Conditions:
Combined immunodeficiency due to ZAP70 deficiency (IMD48). Also called: Immunodeficiency 48; ZAP70 Deficiency. Identifiers: Orphanet 911, MedGen C2931299, MONDO:0010023, OMIM 269840.

Allele frequency attached by ClinVar (database versions not stated): ExAC 0.00001.
gnomAD v4.1: 1 of 1,614,118 alleles (0.000062%); highest among the groups gnomAD compares: Non-Finnish European, 0.000085%; no homozygotes.

Submission:

Labcorp Genetics (formerly Invitae), Labcorp
Classification: Uncertain significance for Combined immunodeficiency due to ZAP70 deficiency. Last evaluated: 2021-12-19. Review status: criteria provided, single submitter. Criteria: Invitae Variant Classification Sherloc (09022015). Collection method: clinical testing. Allele origin: germline.
Comment: In summary, the available evidence is currently insufficient to determine the role of this variant in disease. Therefore, it has been classified as a Variant of Uncertain Significance. Algorithms developed to predict the effect of missense changes on protein structure and function are either unavailable or do not agree on the potential impact of this missense change (SIFT: "Not Available"; PolyPhen-2: "Possibly Damaging"; Align-GVGD: "Not Available"). This variant has not been reported in the literature in individuals affected with ZAP70-related conditions. This variant is present in population databases (rs764746969, gnomAD 0.0009%). This sequence change replaces glutamic acid, which is acidic and polar, with lysine, which is basic and polar, at codon 376 of the ZAP70 protein (p.Glu376Lys).